The following is an entry in ClinVar:

ClinVar aggregate classification (germline): Uncertain significance (1 of 4 stars; one submission).

Conditions:
Gorlin syndrome. Also called: Basal cell nevus syndrome; Nevoid Basal Cell Carcinoma Syndrome. Identifiers: Orphanet 377, MedGen C0004779, MONDO:0007187.
Medulloblastoma (MDB). Also called: MEDULLOBLASTOMA PREDISPOSITION SYNDROME; Medulloblastoma, somatic. Identifiers: Orphanet 616, MedGen C0025149, MeSH D008527, MONDO:0007959, OMIM 155255, HP:0002885.

Submission:

Labcorp Genetics (formerly Invitae), Labcorp
Classification: Uncertain significance for Gorlin syndrome; Medulloblastoma. Last evaluated: 2024-04-24. Review status: criteria provided, single submitter. Criteria: Invitae Variant Classification Sherloc (09022015). Collection method: clinical testing. Allele origin: germline.
Comment: This sequence change replaces serine, which is neutral and polar, with asparagine, which is neutral and polar, at codon 290 of the SUFU protein (p.Ser290Asn). This variant is not present in population databases (gnomAD no frequency). This variant has not been reported in the literature in individuals affected with SUFU-related conditions. ClinVar contains an entry for this variant (Variation ID: 1350365). Advanced modeling of protein sequence and biophysical properties (such as structural, functional, and spatial information, amino acid conservation, physicochemical variation, residue mobility, and thermodynamic stability) performed at Invitae indicates that this missense variant is not expected to disrupt SUFU protein function with a negative predictive value of 80%. In summary, the available evidence is currently insufficient to determine the role of this variant in disease. Therefore, it has been classified as a Variant of Uncertain Significance.

NM_016169.4(SUFU):c.869G>A (p.Ser290Asn)

Gene: SUFU (SUFU negative regulator of hedgehog signaling; plus strand). Cytogenetic location: 10q24.32.
Variant type: single nucleotide variant.
Coding change: c.869G>A on transcript NM_016169.4 (MANE Select); coding-DNA position 869, G replaced by A.
Protein change: p.Ser290Asn; replaces serine 290 with asparagine.
Molecular consequence: missense variant.
Genome position (GRCh38, 1-based): chr10:102,597,252, G>A. VCF-style: chr10-102597252-G-A. GRCh37 (hg19) VCF-style: chr10-104357009-G-A.
Other names: c.869G>A, p.Ser290Asn (NM_001178133.2); short protein forms S290N.
Identifiers: ClinVar variation 1350365 (VCV001350365.8), dbSNP rs749461207, ClinGen allele CA377910732.